The following is an entry in ClinVar:

ClinVar aggregate classification (germline): Likely pathogenic. Review status: criteria provided, multiple submitters, no conflicts (2 of 4 stars). 5 submissions from 5 submitters: Likely pathogenic (5). Last evaluated 2026-08-31.

Conditions:
Primary dilated cardiomyopathy (DCM). Also called: Dilated Cardiomyopathy. Identifiers: Orphanet 217604, MedGen C0007193, MeSH D002311, MONDO:0005021, HP:0001644. Inheritance: Various modes of inheritance.
TTN-related disorder. Also called: TTN-related condition; TTN-related disease; TTN-related disorders.
Dilated cardiomyopathy 1G (CMD1G). Identifiers: Orphanet 154, MedGen C1858763, MONDO:0011400, OMIM 604145.
Autosomal recessive limb-girdle muscular dystrophy type 2J (LGMDR10). Also called: MUSCULAR DYSTROPHY, LIMB-GIRDLE, AUTOSOMAL RECESSIVE 10; Limb-girdle muscular dystrophy, type 2J. Identifiers: Orphanet 140922, MedGen C1837342, MONDO:0012127, OMIM 608807.

Submissions (5):

GeneDx
Classification: Likely pathogenic. Last evaluated: 2026-08-31. Review status: criteria provided, single submitter. Criteria: GeneDx Variant Classification Process June 2021. Collection method: clinical testing. Allele origin: germline.
Comment: Located in a specific region of the I-band within TTN for which truncating variants are significantly associated with autosomal dominant cardiomyopathy and also with autosomal recessive skeletal myopathies (PMID: 27625338, 27869827, 32778822); Reported as c.12344delC in a healthy infant undergoing exome sequencing whose grandparent was confirmed to have DCM and harbors this variant (PMID: 37279760); Not observed at significant frequency in large population cohorts (gnomAD); This variant is associated with the following publications: (PMID: 30609409, 27625338, 27869827, 32778822, 37279760)

Labcorp Genetics (formerly Invitae), Labcorp
Classification: Likely pathogenic for Dilated cardiomyopathy 1G; Autosomal recessive limb-girdle muscular dystrophy type 2J. Last evaluated: 2025-10-13. Review status: criteria provided, single submitter. Criteria: Invitae Variant Classification Sherloc (09022015). Collection method: clinical testing. Allele origin: germline.
Comment: This sequence change creates a premature translational stop signal (p.Pro4353Glnfs*14) in the TTN gene. While this is not anticipated to result in nonsense mediated decay, it is expected to create a truncated TTN protein. This variant is present in population databases (no rsID available, gnomAD 0.0009%). This variant has not been observed in the literature in individuals with autosomal recessive TTN-related conditions. This variant has been reported in individual(s) with personal or family history of dilated cardiomyopathy (PMID: 37279760); however, the role of the variant in this condition is currently unclear. This variant is also known as c.12344delC (p.Pro4115Glnfs*14). ClinVar contains an entry for this variant (Variation ID: 444542). This variant is located in the I band of TTN (PMID: 25589632). Truncating variants in this region have been reported in individuals affected with autosomal recessive centronuclear myopathy (PMID: 23975875, internal data). Truncating variants in this region have also been identified in individuals affected with autosomal dominant dilated cardiomyopathy and/or cardio-related conditions (PMID: 27869827, 32964742, internal data). In summary, the currently available evidence indicates that the variant is pathogenic, but additional data are needed to prove that conclusively. Therefore, this variant has been classified as Likely Pathogenic.

Blueprint Genetics
Classification: Likely pathogenic for TTN-related disorders. Last evaluated: 2024-01-17. Review status: criteria provided, single submitter. Criteria: ACMG Guidelines, 2015. Collection method: clinical testing. Allele origin: germline. Affected: yes. Observed: 2 variant alleles.

Laboratory for Molecular Medicine, Mass General Brigham Personalized Medicine
Classification: Likely pathogenic for Primary dilated cardiomyopathy. Last evaluated: 2017-06-09. Review status: criteria provided, single submitter. Criteria: LMM Criteria. Collection method: clinical testing. Allele origin: germline. Inheritance: Autosomal dominant inheritance. Observed: 2 variant alleles.
Comment: The p. Pro4115GlnfsX14 (NM_133432.3 c.12344delC) variant in TTN has not been pre viously reported in individuals with dilated cardiomyopathy (DCM). It has been i dentified in 1/111050 European chromosomes by the genome Aggregation Database (g nomAD). This variant is predicted to cause a f rameshift, which alters the protein?s amino acid sequence beginning at position 4115 and leads to a premature termination codon 14 amino acids downstream. This alteration is then predicted to lead to a truncated or absent protein. Frameshif t and other truncating variants in TTN are strongly associated with DCM if they are located in the exons encoding for the A-band (Herman 2012, Pugh 2014) and/or are located in an exon that is highly expressed in the heart (Roberts 2015). Th e p. Pro4115GlnfsX14 variant is located in the I-band in the highly expressed ex on 49. In summary, although additional studies are required to fully establish i ts clinical significance, this variant is likely pathogenic.

CeGaT Center for Human Genetics Tuebingen
Classification: Likely pathogenic. Last evaluated: 2017-05-01. Review status: criteria provided, single submitter. Criteria: CeGaT Center For Human Genetics Tuebingen Variant Classification Criteria Version 2. Collection method: clinical testing. Allele origin: germline. Affected: yes. Observed: 1 variant allele.

Literature cited by the submitters: PubMed 37279760 (cited by Labcorp Genetics (formerly Invitae), Labcorp); PubMed 25589632 (cited by Labcorp Genetics (formerly Invitae), Labcorp); PubMed 23975875 (cited by Labcorp Genetics (formerly Invitae), Labcorp); PubMed 27869827 (cited by Labcorp Genetics (formerly Invitae), Labcorp); PubMed 32964742 (cited by Labcorp Genetics (formerly Invitae), Labcorp).

NM_001267550.2(TTN):c.13058del (p.Pro4353fs)

Gene: TTN (titin; minus strand). Cytogenetic location: 2q31.2.
Variant type: Deletion.
Coding change: c.13058del on transcript NM_001267550.2 (MANE Select); coding-DNA position 13058, one base deleted (C; older notation c.13058delC).
Protein change: p.Pro4353fs; shifts the reading frame from proline 4353.
Molecular consequence: frameshift variant. On other transcripts: intron variant (1).
Genome position (GRCh38, 1-based): chr2:178,740,175, G deleted on the plus strand (C on the coding strand, the reverse complement: TTN is on the minus strand); the first of 5 consecutive G bases (chr2:178,740,175-178,740,179); deleting any one gives the same sequence. VCF-style (leftmost placement, unchanged base first): chr2-178740174-TG-T. GRCh37 (hg19) VCF-style: chr2-179604901-TG-T.
Other names: c.13058del (NM_001267550.1); c.12344delC (NM_133432.3); c.12107del, p.Pro4036fs (NM_001256850.1); c.11969del, p.Pro3990fs (NM_003319.4); c.12344del, p.Pro4115fs (NM_133432.3); c.12545del, p.Pro4182fs (NM_133437.4); c.10361-1815del (NM_133378.4); short protein forms P3990fs, P4036fs, P4115fs, P4182fs, P4353fs.
Identifiers: ClinVar variation 444542 (VCV000444542.56), dbSNP rs1408345511, ClinGen allele CA16609616.